The following is an entry in ClinVar:

ClinVar aggregate classification (germline): Uncertain significance. Review status: criteria provided, multiple submitters, no conflicts (2 of 4 stars). 2 submissions from 2 submitters: Uncertain significance (2). Last evaluated 2024-01-31.

Allele frequency attached by ClinVar (database versions not stated): 1000 Genomes Project 30x 0.00016; ExAC 0.00019; 1000 Genomes Project 0.00020; ESP Exome Variant Server 0.00023; TOPMed 0.00026; gnomAD 0.00029.
gnomAD v4.1: 342 of 1,612,864 alleles (0.021%); highest among the groups gnomAD compares: Middle Eastern, 0.18%; 1 homozygote.

Submissions (2):

ARUP Laboratories, Molecular Genetics and Genomics, ARUP Laboratories
Classification: Uncertain significance. Last evaluated: 2024-01-31. Review status: criteria provided, single submitter. Criteria: ARUP Molecular Germline Variant Investigation Process 2024. Collection method: clinical testing. Allele origin: germline.

GeneDx
Classification: Uncertain significance. Last evaluated: 2022-10-27. Review status: criteria provided, single submitter. Criteria: GeneDx Variant Classification Process June 2021. Collection method: clinical testing. Allele origin: germline. Affected: yes.
Comment: In silico analysis supports that this missense variant has a deleterious effect on protein structure/function; Has not been previously published as pathogenic or benign to our knowledge

NM_001498.4(GCLC):c.197G>A (p.Arg66Gln)

Gene: GCLC (glutamate-cysteine ligase catalytic subunit; minus strand). Cytogenetic location: 6p12.1.
Variant type: single nucleotide variant.
Coding change: c.197G>A on transcript NM_001498.4 (MANE Select); coding-DNA position 197, G replaced by A.
Protein change: p.Arg66Gln; replaces arginine 66 with glutamine.
Molecular consequence: missense variant.
Genome position (GRCh38, 1-based): chr6:53,522,481, C>T on the plus strand (G>A on the coding strand, the complement: GCLC is on the minus strand). VCF-style: chr6-53522481-C-T. GRCh37 (hg19) VCF-style: chr6-53387279-C-T.
Other names: c.197G>A, p.Arg66Gln (NM_001197115.2); short protein forms R66Q.
Identifiers: ClinVar variation 2500435 (VCV002500435.2), dbSNP rs148272922, ClinGen allele CA3860416.
Genomic context (GRCh38, chr6:53,522,481, plus strand): 5'-TTTGTCCTTTCCCCCTTCTCTTGCAGAGTTTCAAGAACTTTCTCCCCAGACAGGACCAAC[C>T]GGACTTTTTTATTTTCATGATCAAAAGATACCAACATGTATTCCACCTATTGAAAATAAA-3'
Protein context (NP_001489.1, residues 56-76): VSFDHENKKV[Arg66Gln]LVLSGEKVLE